The following is an entry in ClinVar:

NM_152393.4(KLHL40):c.1709C>T (p.Thr570Met)

Gene: KLHL40 (kelch like family member 40; plus strand). Cytogenetic location: 3p22.1.
Variant type: single nucleotide variant.
Coding change: c.1709C>T on transcript NM_152393.4 (MANE Select); coding-DNA position 1709, C replaced by T.
Protein change: p.Thr570Met; replaces threonine 570 with methionine.
Molecular consequence: missense variant.
Genome position (GRCh38, 1-based): chr3:42,690,960, C>T. VCF-style: chr3-42690960-C-T. GRCh37 (hg19) VCF-style: chr3-42732452-C-T.
Other names: short protein forms T570M.
Identifiers: ClinVar variation 541331 (VCV000541331.11), dbSNP rs139268932, ClinGen allele CA2337054.

ClinVar aggregate classification (germline): Uncertain significance. Review status: criteria provided, multiple submitters, no conflicts (2 of 4 stars). 3 submissions from 3 submitters: Uncertain significance (3). Last evaluated 2025-04-02.

Conditions:
Nemaline myopathy 8 (NEM8). Also called: Nemaline myopathy 8, autosomal recessive. Identifiers: Orphanet 171430, MedGen C3809209, MONDO:0014138, OMIM 615348.

Allele frequency attached by ClinVar (database versions not stated): gnomAD exomes 0.00011 and 0.00015; ESP Exome Variant Server 0.00015; gnomAD 0.00016 and 0.00017; ExAC 0.00018; TOPMed 0.00022; 1000 Genomes Project 0.00040; 1000 Genomes Project 30x 0.00047.
gnomAD v4.1: 197 of 1,613,556 alleles (0.012%); highest among the groups gnomAD compares: Admixed American, 0.043%; no homozygotes.

Submissions (3):

GeneDx
Classification: Uncertain significance. Last evaluated: 2025-04-02. Review status: criteria provided, single submitter. Criteria: GeneDx Variant Classification Process June 2021. Collection method: clinical testing. Allele origin: germline. Affected: yes.
Comment: In silico analysis indicates that this missense variant does not alter protein structure/function; Has not been previously published as pathogenic or benign to our knowledge; This variant is associated with the following publications: (PMID: 32906206)

Labcorp Genetics (formerly Invitae), Labcorp
Classification: Uncertain significance for Nemaline myopathy 8. Last evaluated: 2022-09-12. Review status: criteria provided, single submitter. Criteria: Invitae Variant Classification Sherloc (09022015). Collection method: clinical testing. Allele origin: germline.
Comment: This sequence change replaces threonine, which is neutral and polar, with methionine, which is neutral and non-polar, at codon 570 of the KLHL40 protein (p.Thr570Met). This variant is present in population databases (rs139268932, gnomAD 0.03%). This variant has not been reported in the literature in individuals affected with KLHL40-related conditions. ClinVar contains an entry for this variant (Variation ID: 541331). Advanced modeling of protein sequence and biophysical properties (such as structural, functional, and spatial information, amino acid conservation, physicochemical variation, residue mobility, and thermodynamic stability) performed at Invitae indicates that this missense variant is not expected to disrupt KLHL40 protein function. In summary, the available evidence is currently insufficient to determine the role of this variant in disease. Therefore, it has been classified as a Variant of Uncertain Significance.

Baylor Genetics
Classification: Uncertain significance for Nemaline myopathy 8. Last evaluated: 2018-12-23. Review status: criteria provided, single submitter. Criteria: ACMG Guidelines, 2015. Collection method: clinical testing. Allele origin: unknown. Affected: yes.
Comment: This variant was determined to be of uncertain significance according to ACMG Guidelines, 2015 [PMID:25741868].